The following is an entry in ClinVar:

NM_001365951.3(KIF1B):c.2115+6327C>T

Gene: KIF1B (kinesin family member 1B; plus strand). Cytogenetic location: 1p36.22.
Variant type: single nucleotide variant.
Coding change: c.2115+6327C>T on transcript NM_001365951.3 (MANE Select); 6327 bases into the intron after coding-DNA position 2115, C replaced by T.
Molecular consequence: intron variant. On other transcripts: synonymous variant (2).
Genome position (GRCh38, 1-based): chr1:10,303,573, C>T. VCF-style: chr1-10303573-C-T. GRCh37 (hg19) VCF-style: chr1-10363631-C-T.
Other names: c.2388C>T, p.Val796= (NM_001365953.1, NM_183416.4); c.1977+6327C>T (NM_015074.3); c.2115+6327C>T (NM_001365952.1).
Identifiers: ClinVar variation 3030035 (VCV003030035.2), dbSNP rs372017998, ClinGen allele CA581242.

ClinVar aggregate classification (germline): Likely benign (0 of 4 stars; one submission).

Conditions:
KIF1B-related disorder. Also called: KIF1B-related condition.

Allele frequency attached by ClinVar (database versions not stated): gnomAD exomes 0.00002; ExAC 0.00007; ESP Exome Variant Server 0.00008; gnomAD 0.00011; TOPMed 0.00015; 1000 Genomes Project 0.00020; 1000 Genomes Project 30x 0.00031.
gnomAD v4.1: 41 of 1,614,042 alleles (0.0025%); highest among the groups gnomAD compares: African/African-American, 0.041%; no homozygotes.

Submission:

PreventionGenetics, part of Exact Sciences
Classification: Likely benign for KIF1B-related condition. Last evaluated: 2021-11-09. Review status: no assertion criteria provided. Collection method: clinical testing. Allele origin: germline.
Comment: This variant is classified as likely benign based on ACMG/AMP sequence variant interpretation guidelines (Richards et al. 2015 PMID: 25741868, with internal and published modifications).